The following is an entry in ClinVar:

ClinVar aggregate classification (germline): Pathogenic. Review status: reviewed by expert panel (3 of 4 stars). 3 submissions from 3 submitters: Pathogenic (1). 2 of the submissions do not count toward it. Last evaluated 2023-08-04.

Conditions:
CDH1-related diffuse gastric and lobular breast cancer syndrome. Also called: CDH1-related diffuse gastric and lobular breast cancer. Identifiers: MedGen CN311521, MONDO:0100488.
Hereditary diffuse gastric adenocarcinoma (HDGC). Also called: DIFFUSE GASTRIC AND LOBULAR BREAST CANCER SYNDROME. Identifiers: Orphanet 26106, MedGen C1708349, MONDO:0007648, OMIM 137215.

Submissions (3):

Clingen Gastric Cancer Variant Curation Expert Panel
Classification: Pathogenic for CDH1-related diffuse gastric and lobular breast cancer syndrome. Last evaluated: 2023-08-04. Review status: reviewed by expert panel. Criteria: ClinGen CDH1 ACMG Specifications V3.1. Collection method: curation. Allele origin: germline. Inheritance: Autosomal dominant inheritance.
Comment: The c.1993del p.(Ile665fs) variant is predicted to result in a premature stop codon that leads to nonsense mediate decay (PVS1 and PM5_supporting). The variant is absent in the gnomAD cohort (PM2_supporting). Therefore, this variant meets criteria to be classified as pathogenic based on the ACMG/AMP criteria applied as specified by the CDH1 Variant Curation Expert Panel (CDH1 VCEP specifications version 3.1): PVS1, PM2_supporting, PM5_supporting.

Myriad Genetics, Inc.
Classification: Pathogenic for Hereditary diffuse gastric adenocarcinoma. Last evaluated: 2023-06-15. Review status: criteria provided, single submitter. Criteria: Myriad Autosomal Dominant, Autosomal Recessive and X-Linked Classification Criteria (2023). Collection method: clinical testing. Allele origin: unknown. Not counted in ClinVar's aggregate classification.
Comment: This variant is considered pathogenic. This variant creates a frameshift predicted to result in premature protein truncation.

Labcorp Genetics (formerly Invitae), Labcorp
Classification: Pathogenic for Hereditary diffuse gastric adenocarcinoma. Last evaluated: 2021-08-27. Review status: criteria provided, single submitter. Criteria: Invitae Variant Classification Sherloc (09022015). Collection method: clinical testing. Allele origin: germline. Not counted in ClinVar's aggregate classification.
Comment: For these reasons, this variant has been classified as Pathogenic. ClinVar contains an entry for this variant (Variation ID: 573147). This variant has not been reported in the literature in individuals affected with CDH1-related conditions. This variant is not present in population databases (ExAC no frequency). This sequence change creates a premature translational stop signal (p.Ile665Serfs*14) in the CDH1 gene. It is expected to result in an absent or disrupted protein product. Loss-of-function variants in CDH1 are known to be pathogenic (PMID: 15235021, 20373070).

Literature cited by the submitters: PubMed 15235021 (cited by Labcorp Genetics (formerly Invitae), Labcorp); PubMed 20373070 (cited by Labcorp Genetics (formerly Invitae), Labcorp).

NM_004360.5(CDH1):c.1993del (p.Ile665fs)

Gene: CDH1 (cadherin 1; plus strand). Cytogenetic location: 16q22.1.
Variant type: Deletion.
Coding change: c.1993del on transcript NM_004360.5 (MANE Select); coding-DNA position 1993, one base deleted (A; older notation c.1993delA).
Protein change: p.Ile665fs; shifts the reading frame from isoleucine 665.
Molecular consequence: frameshift variant.
Genome position (GRCh38, 1-based): chr16:68,823,455, A deleted; the last of 4 consecutive A bases (chr16:68,823,452-68,823,455); deleting any one gives the same sequence. VCF-style (leftmost placement, unchanged base first): chr16-68823451-CA-C. GRCh37 (hg19) VCF-style: chr16-68857354-CA-C.
Other names: NM_004360.5(CDH1):c.1993del; p.Ile665fs; c.28del, p.Ile10fs (NM_001317186.2); c.1993del (LRG_301t1); c.1810del, p.Ile604fs (NM_001317184.2); c.445del, p.Ile149fs (NM_001317185.2); short protein forms I10fs, I604fs, I149fs, I665fs.
Identifiers: ClinVar variation 573147 (VCV000573147.12), dbSNP rs1567513227, ClinGen allele CA645580198.
Genomic context (GRCh38, chr16:68,823,451, plus strand): 5'-TTCTCCAGCCCAAGAATCTATCATTTTGAAGCCAAAGATGGCCTTAGAGGTGGGTGACTA[CA>C]AAATCAATCTCAAGCTCATGGATAACCAGAATAAAGACCAAGTGACCACCTTAGAGGTCA-3'